The following is an entry in ClinVar:

NM_152564.5(VPS13B):c.11533A>G (p.Met3845Val)

Gene: VPS13B (vacuolar protein sorting 13 homolog B; plus strand). Cytogenetic location: 8q22.2.
Variant type: single nucleotide variant.
Coding change: c.11533A>G on transcript NM_152564.5 (MANE Select); coding-DNA position 11533, A replaced by G.
Protein change: p.Met3845Val; replaces methionine 3845 with valine.
Molecular consequence: missense variant.
Genome position (GRCh38, 1-based): chr8:99,871,485, A>G. VCF-style: chr8-99871485-A-G. GRCh37 (hg19) VCF-style: chr8-100883713-A-G.
Other names: c.11608A>G, p.Met3870Val (NM_017890.5); short protein forms M3870V, M3845V.
Identifiers: ClinVar variation 3699595 (VCV003699595.3).
Genomic context (GRCh38, chr8:99,871,485, plus strand): 5'-CTCACTTTTCTCCTTTTAAACAGGAAAATGCTTCAGTCTCTGGGCAGACCAGAAGTCCAC[A>G]TGGCCCTGGACGTGGTTCTGGTGAGGGGCTCAGGCCAGGAGCATGAAGGGTGCTTGCTGC-3'
Protein context (NP_689777.3, residues 3835-3855): LQSLGRPEVH[Met3845Val]ALDVVLVRGS

ClinVar aggregate classification (germline): Uncertain significance. Review status: criteria provided, multiple submitters, no conflicts (2 of 4 stars). 2 submissions from 2 submitters: Uncertain significance (2). Last evaluated 2025-09-18.

Conditions:
VPS13B-related disorder. Also called: VPS13B-related condition.
Cohen syndrome (COH1). Also called: Cutis verticis gyrata, retinitis pigmentosa, and sensorineural deafness; PEPPER SYNDROME. Identifiers: Orphanet 193, MedGen C0265223, MONDO:0008999, OMIM 216550.

Submissions (2):

PreventionGenetics, part of Exact Sciences
Classification: Uncertain significance for VPS13B-related condition. Last evaluated: 2025-09-18. Review status: criteria provided, single submitter. Criteria: ACMG Guidelines, 2015. Collection method: clinical testing. Allele origin: germline.
Comment: The VPS13B c.11533A>G variant is predicted to result in the amino acid substitution p.Met3845Val. To our knowledge, this variant has not been reported in the literature or in a large population database (gnomAD), indicating this variant is rare. At this time, the clinical significance of this variant is uncertain due to the absence of conclusive functional and genetic evidence.

Labcorp Genetics (formerly Invitae), Labcorp
Classification: Uncertain significance for Cohen syndrome. Last evaluated: 2025-01-18. Review status: criteria provided, single submitter. Criteria: Invitae Variant Classification Sherloc (09022015). Collection method: clinical testing. Allele origin: germline.
Comment: This sequence change replaces methionine, which is neutral and non-polar, with valine, which is neutral and non-polar, at codon 3870 of the VPS13B protein (p.Met3870Val). This variant is not present in population databases (gnomAD no frequency). This variant has not been reported in the literature in individuals affected with VPS13B-related conditions. Invitae Evidence Modeling of protein sequence and biophysical properties (such as structural, functional, and spatial information, amino acid conservation, physicochemical variation, residue mobility, and thermodynamic stability) indicates that this missense variant is expected to disrupt VPS13B protein function with a positive predictive value of 80%. In summary, the available evidence is currently insufficient to determine the role of this variant in disease. Therefore, it has been classified as a Variant of Uncertain Significance.